The following is an entry in ClinVar:

ClinVar aggregate classification (germline): Benign. Review status: criteria provided, multiple submitters, no conflicts (2 of 4 stars). 15 submissions from 14 submitters: Benign (13). 2 of the submissions do not count toward it. Last evaluated 2026-02-04.

Conditions:
Arthrogryposis multiplex congenita 6. Identifiers: MedGen C5543431, MONDO:0030281, OMIM 619334.
Nemaline myopathy 2 (NEM2). Also called: Nemaline myopathy 2, autosomal recessive. Identifiers: MedGen C1850569, MONDO:0009725, OMIM 256030.

Allele frequency attached by ClinVar (database versions not stated): 1000 Genomes Project 0.58347; 1000 Genomes Project 30x 0.58370; TOPMed 0.67827; gnomAD 0.69087 and 0.69255; ESP Exome Variant Server 0.69857; ExAC 0.74994; gnomAD exomes 0.76095 and 0.80236.
gnomAD v4.1: 1,274,613 of 1,612,454 alleles (79%); highest among the groups gnomAD compares: Admixed American, 86%; 516,236 homozygotes.

Submissions (15):

Labcorp Genetics (formerly Invitae), Labcorp
Classification: Benign for Nemaline myopathy 2. Last evaluated: 2026-02-04. Review status: criteria provided, single submitter. Criteria: Invitae Variant Classification Sherloc (09022015). Collection method: clinical testing. Allele origin: germline.

Blueprint Genetics
Classification: Benign. Last evaluated: 2024-11-26. Review status: criteria provided, single submitter. Criteria: ACMG Guidelines, 2015. Collection method: clinical testing. Allele origin: germline.

Genome-Nilou Lab
Classification: Benign for Arthrogryposis multiplex congenita 6. Last evaluated: 2021-07-10. Review status: criteria provided, single submitter. Criteria: ACMG Guidelines, 2015. Collection method: clinical testing. Allele origin: germline. Affected: no.

Genome-Nilou Lab
Classification: Benign for Nemaline myopathy 2. Last evaluated: 2021-07-10. Review status: criteria provided, single submitter. Criteria: ACMG Guidelines, 2015. Collection method: clinical testing. Allele origin: germline. Affected: no.

Athena Diagnostics
Classification: Benign. Last evaluated: 2019-03-07. Review status: criteria provided, single submitter. Criteria: Athena Diagnostics Criteria. Collection method: clinical testing. Allele origin: germline.

Illumina Laboratory Services, Illumina
Classification: Benign for Nemaline myopathy 2. Last evaluated: 2018-01-12. Review status: criteria provided, single submitter. Criteria: ICSL Variant Classification Criteria 13 December 2019. Collection method: clinical testing. Allele origin: germline.
Comment: This variant was observed in the ICSL laboratory as part of a predisposition screen in an ostensibly healthy population. It had not been previously curated by ICSL or reported in the Human Gene Mutation Database (HGMD: prior to June 1st, 2018), and was therefore a candidate for classification through an automated scoring system. Utilizing variant allele frequency, disease prevalence and penetrance estimates, and inheritance mode, an automated score was calculated to assess if this variant is too frequent to cause the disease. Based on the score and internal cut-off values, a variant classified as benign is not then subjected to further curation. The score for this variant resulted in a classification of benign for this disease.

Mayo Clinic Laboratories, Mayo Clinic
Classification: Benign. Last evaluated: 2017-07-20. Review status: criteria provided, single submitter. Criteria: ACMG Guidelines, 2015. Collection method: clinical testing. Allele origin: germline. Observed: 609 variant alleles.

Women's Health and Genetics/Laboratory Corporation of America, LabCorp
Classification: Benign. Last evaluated: 2017-02-27. Review status: criteria provided, single submitter. Criteria: LabCorp Variant Classification Summary - May 2015. Collection method: clinical testing. Allele origin: germline.
Comment: Variant summary: The NEB c.3081A>T (p.Lys1027Asn) variant involves the alteration of a non-conserved nucleotide, which 2/3 in silico tools (SNPs&GO not captured due to query not functioning and Mutation Taster having a low p-value) predict a damaging outcome. The variant of interest was observed in the large, broad control population, ExAC, with an allele frequency of 0.749942 (90494/120668 (35419 homozygotes)), which indicates that the T allele is the major allele found in the general population. In addition, multiple clinical diagnostic laboratories classify the variant as Benign. Therefore, the variant of interest has been classified as Benign.

GeneDx
Classification: Benign. Last evaluated: 2016-01-05. Review status: criteria provided, single submitter. Criteria: GeneDx Variant Classification (06012015). Collection method: clinical testing. Allele origin: germline. Affected: yes.
Comment: This variant is considered likely benign or benign based on one or more of the following criteria: it is a conservative change, it occurs at a poorly conserved position in the protein, it is predicted to be benign by multiple in silico algorithms, and/or has population frequency not consistent with disease.

Laboratory for Molecular Medicine, Mass General Brigham Personalized Medicine
Classification: Benign. Last evaluated: 2014-11-26. Review status: criteria provided, single submitter. Criteria: LMM Criteria. Collection method: clinical testing. Allele origin: germline. Observed: 12 variant alleles.
Comment: This is a RefSeq error. The reference base (c.3081A) is the minor allele. This a llele (A) has been identified in 17% (1433/8260) of European American chromosome s and 57% (2230/3892) of African American chromosomes by the NHLBI Exome Sequenc ing Project (dbSNP rs6735208) and thus meets criteria to be classified as benign.

Eurofins Ntd Llc (ga)
Classification: Benign. Last evaluated: 2013-04-05. Review status: criteria provided, single submitter. Criteria: EGL Classification Definitions 2015. Collection method: clinical testing. Allele origin: germline. Observed: 4 variant alleles, 4 homozygotes.

Breakthrough Genomics
Classification: Benign. Review status: criteria provided, single submitter. Criteria: ACMG Guidelines, 2015. Collection method: not provided. Allele origin: germline. Inheritance: Autosomal recessive inheritance. Affected: yes.

PreventionGenetics, part of Exact Sciences
Classification: Benign. Review status: criteria provided, single submitter. Criteria: ACMG Guidelines, 2015. Collection method: clinical testing. Allele origin: germline.

Natera, Inc.
Classification: Benign for Nemaline myopathy type 2. Last evaluated: 2020-09-16. Review status: no assertion criteria provided. Collection method: clinical testing. Allele origin: germline. Not counted in ClinVar's aggregate classification.

Genetic Services Laboratory, University of Chicago
Classification: Likely benign for AllHighlyPenetrant. Review status: no assertion criteria provided. Collection method: clinical testing. Allele origin: germline. Inheritance: Autosomal recessive inheritance. Not counted in ClinVar's aggregate classification.
Comment: Likely benign based on allele frequency in 1000 Genomes Project or ESP global frequency and its presence in a patient with a rare or unrelated disease phenotype. NOT Sanger confirmed.

NM_001164508.2(NEB):c.3081A>T (p.Lys1027Asn)

Gene: NEB (nebulin; minus strand). Cytogenetic location: 2q23.3.
Variant type: single nucleotide variant.
Coding change: c.3081A>T on transcript NM_001164508.2 (MANE Select); coding-DNA position 3081, A replaced by T.
Protein change: p.Lys1027Asn; replaces lysine 1027 with asparagine.
Molecular consequence: missense variant.
Genome position (GRCh38, 1-based): chr2:151,679,984, T>A on the plus strand (A>T on the coding strand, the complement: NEB is on the minus strand). VCF-style: chr2-151679984-T-A. GRCh37 (hg19) VCF-style: chr2-152536498-T-A.
Other names: c.3081A>T, p.Lys1027Asn (NM_001164507.2, NM_001271208.2, NM_004543.5); short protein forms K1027N.
Identifiers: ClinVar variation 95128 (VCV000095128.34), dbSNP rs6735208, ClinGen allele CA148230.